The following is an entry in ClinVar:

ClinVar aggregate classification (germline): Likely benign. Review status: criteria provided, single submitter (1 of 4 stars). 2 submissions from 2 submitters: Likely benign (1). 1 of the submissions does not count toward it. Last evaluated 2025-10-20.

Conditions:
KIF2A-related disorder. Also called: KIF2A-related condition.

Allele frequency attached by ClinVar (database versions not stated): gnomAD exomes below 0.00001; TOPMed 0.00001; gnomAD 0.00001.
gnomAD v4.1: 12 of 1,456,696 alleles (0.00082%); highest among the groups gnomAD compares: African/African-American, 0.0056%; no homozygotes.

Submissions (2):

Labcorp Genetics (formerly Invitae), Labcorp
Classification: Likely benign. Last evaluated: 2025-10-20. Review status: criteria provided, single submitter. Criteria: Invitae Variant Classification Sherloc (09022015). Collection method: clinical testing. Allele origin: germline.

PreventionGenetics, part of Exact Sciences
Classification: Likely benign for KIF2A-related condition. Last evaluated: 2020-04-24. Review status: no assertion criteria provided. Collection method: clinical testing. Allele origin: germline. Not counted in ClinVar's aggregate classification.
Comment: This variant is classified as likely benign based on ACMG/AMP sequence variant interpretation guidelines (Richards et al. 2015 PMID: 25741868, with internal and published modifications).

NM_001098511.3(KIF2A):c.561C>T (p.Asp187=)

Gene: KIF2A (kinesin family member 2A; plus strand). Cytogenetic location: 5q12.1.
Variant type: single nucleotide variant.
Coding change: c.561C>T on transcript NM_001098511.3 (MANE Select); coding-DNA position 561, C replaced by T.
Protein change: p.Asp187=; no amino-acid change (aspartic acid 187 retained).
Molecular consequence: synonymous variant.
Genome position (GRCh38, 1-based): chr5:62,355,161, C>T. VCF-style: chr5-62355161-C-T. GRCh37 (hg19) VCF-style: chr5-61650988-C-T.
Other names: c.561C>T (NM_001098511.2); c.480C>T, p.Asp160= (NM_001243952.2); c.504C>T, p.Asp168= (NM_001243953.2); c.561C>T, p.Asp187= (NM_004520.5).
Identifiers: ClinVar variation 3022518 (VCV003022518.5), dbSNP rs1330714767, ClinGen allele CA444578694.